The following is an entry in ClinVar:

ClinVar aggregate classification (germline): Uncertain significance (1 of 4 stars; one submission).

Submission:

Labcorp Genetics (formerly Invitae), Labcorp
Classification: Uncertain significance. Last evaluated: 2023-08-27. Review status: criteria provided, single submitter. Criteria: Invitae Variant Classification Sherloc (09022015). Collection method: clinical testing. Allele origin: germline.
Comment: This sequence change replaces aspartic acid, which is acidic and polar, with glutamic acid, which is acidic and polar, at codon 105 of the POLA1 protein (p.Asp105Glu). This variant is not present in population databases (gnomAD no frequency). In summary, the available evidence is currently insufficient to determine the role of this variant in disease. Therefore, it has been classified as a Variant of Uncertain Significance. Advanced modeling of protein sequence and biophysical properties (such as structural, functional, and spatial information, amino acid conservation, physicochemical variation, residue mobility, and thermodynamic stability) performed at Invitae indicates that this missense variant is not expected to disrupt POLA1 protein function. This variant has not been reported in the literature in individuals affected with POLA1-related conditions.

NM_001330360.2(POLA1):c.333T>G (p.Asp111Glu)

Gene: POLA1 (DNA polymerase alpha 1, catalytic subunit; plus strand). Cytogenetic location: Xp22.11.
Variant type: single nucleotide variant.
Coding change: c.333T>G on transcript NM_001330360.2 (MANE Select); coding-DNA position 333, T replaced by G.
Protein change: p.Asp111Glu; replaces aspartic acid 111 with glutamic acid.
Molecular consequence: missense variant. On other transcripts: non-coding transcript variant (2).
Genome position (GRCh38, 1-based): chrX:24,704,456, T>G. VCF-style: chrX-24704456-T-G. GRCh37 (hg19) VCF-style: chrX-24722573-T-G.
Other names: c.333T>G, p.Asp111Glu (NM_001378303.1); c.315T>G, p.Asp105Glu (NM_016937.4); short protein forms D111E, D105E.
Identifiers: ClinVar variation 2755687 (VCV002755687.3), dbSNP rs2518718814, ClinGen allele CA412610439.